The following is an entry in ClinVar:

NM_001903.5(CTNNA1):c.382dup (p.Ala128fs)

Gene: CTNNA1 (catenin alpha 1; plus strand). Cytogenetic location: 5q31.2.
Variant type: Duplication.
Coding change: c.382dup on transcript NM_001903.5 (MANE Select); coding-DNA position 382, one base duplicated (G; older notation c.382dupG).
Protein change: p.Ala128fs; shifts the reading frame from alanine 128.
Molecular consequence: frameshift variant.
Genome position (GRCh38, 1-based): chr5:138,810,118, G duplicated. VCF-style (leftmost placement, unchanged base first): chr5-138810117-A-AG. GRCh37 (hg19) VCF-style: chr5-138145806-A-AG.
Other names: c.382dupG (NM_001903.2); c.382dup, p.Ala128fs (NM_001290307.3, NM_001323982.2, NM_001323983.1 and 3 more transcripts); c.73dup, p.Ala25fs (NM_001290309.3); c.13dup, p.Ala5fs (NM_001290310.3); short protein forms A128fs, A25fs, A5fs.
Identifiers: ClinVar variation 2674000 (VCV002674000.6), dbSNP rs2532330256, ClinGen allele CA2695198753.

ClinVar aggregate classification (germline): Pathogenic. Review status: criteria provided, multiple submitters, no conflicts (2 of 4 stars). 3 submissions from 3 submitters: Pathogenic (3). Last evaluated 2025-07-15.

Conditions:
Hereditary cancer-predisposing syndrome. Also called: Tumor predisposition; Neoplastic Syndromes, Hereditary; Hereditary Cancer Syndrome; Hereditary neoplastic syndrome. Identifiers: Orphanet 140162, MedGen C0027672, MeSH D009386, MONDO:0015356.
Hereditary diffuse gastric adenocarcinoma (HDGC). Also called: DIFFUSE GASTRIC AND LOBULAR BREAST CANCER SYNDROME. Identifiers: Orphanet 26106, MedGen C1708349, MONDO:0007648, OMIM 137215.

Submissions (3):

Ambry Genetics
Classification: Pathogenic for Hereditary cancer-predisposing syndrome. Last evaluated: 2025-07-15. Review status: criteria provided, single submitter. Criteria: Ambry Variant Classification Scheme 2023. Collection method: clinical testing. Allele origin: germline.
Comment: The c.382dupG pathogenic mutation, located in coding exon 3 of the CTNNA1 gene, results from a duplication of G at nucleotide position 382, causing a translational frameshift with a predicted alternate stop codon (p.A128Gfs*16). This variant is considered to be rare based on population cohorts in the Genome Aggregation Database (gnomAD). This alteration is expected to result in protein truncation or nonsense-mediated mRNA decay. As such, this variant is interpreted as a disease-causing mutation.

Myriad Genetics, Inc.
Classification: Pathogenic for Hereditary diffuse gastric adenocarcinoma. Last evaluated: 2023-11-09. Review status: criteria provided, single submitter. Criteria: Myriad Autosomal Dominant, Autosomal Recessive and X-Linked Classification Criteria (2023). Collection method: clinical testing. Allele origin: unknown.
Comment: This variant is considered pathogenic. This variant creates a frameshift predicted to result in premature protein truncation.

Labcorp Genetics (formerly Invitae), Labcorp
Classification: Pathogenic. Last evaluated: 2023-10-22. Review status: criteria provided, single submitter. Criteria: Invitae Variant Classification Sherloc (09022015). Collection method: clinical testing. Allele origin: germline.
Comment: This sequence change creates a premature translational stop signal (p.Ala128Glyfs*16) in the CTNNA1 gene. It is expected to result in an absent or disrupted protein product. Loss-of-function variants in CTNNA1 are known to be pathogenic (PMID: 32051609, 34425242). This variant is not present in population databases (gnomAD no frequency). This variant has not been reported in the literature in individuals affected with CTNNA1-related conditions. For these reasons, this variant has been classified as Pathogenic.

Literature cited by the submitters: PubMed 32051609 (cited by Labcorp Genetics (formerly Invitae), Labcorp); PubMed 34425242 (cited by Labcorp Genetics (formerly Invitae), Labcorp).